The following is an entry in ClinVar:

ClinVar aggregate classification (germline): Uncertain significance. Review status: criteria provided, multiple submitters, no conflicts (2 of 4 stars). 2 submissions from 2 submitters: Uncertain significance (2). Last evaluated 2025-06-16.

Conditions:
Inclusion body myopathy with Paget disease of bone and frontotemporal dementia. Also called: Inclusion body myopathy with early-onset Paget disease and frontotemporal dementia. Identifiers: Orphanet 52430, MedGen C1833662, MONDO:0000507.
Frontotemporal dementia and/or amyotrophic lateral sclerosis 6 (FTDALS6). Also called: VCP-Related Amyotrophic Lateral Sclerosis/Frontotemporal Dementia; VCP-Related Amyotrophic Lateral Sclerosis. Identifiers: Orphanet 275872, Orphanet 803, MedGen C5436279, MONDO:0013501, OMIM 613954.
Inborn genetic diseases. Identifiers: MedGen C0950123, MeSH D030342.

Allele frequency attached by ClinVar (database versions not stated): gnomAD 0.00001; gnomAD exomes 0.00001; TOPMed 0.00001; ExAC 0.00002.
gnomAD v4.1: 4 of 1,614,040 alleles (0.00025%); highest among the groups gnomAD compares: Non-Finnish European, 0.00034%; no homozygotes.

Submissions (2):

Ambry Genetics
Classification: Uncertain significance for Inborn genetic diseases. Last evaluated: 2025-06-16. Review status: criteria provided, single submitter. Criteria: Ambry Variant Classification Scheme 2023. Collection method: clinical testing. Allele origin: germline.

Labcorp Genetics (formerly Invitae), Labcorp
Classification: Uncertain significance for Inclusion body myopathy with Paget disease of bone and frontotemporal dementia; Frontotemporal dementia and/or amyotrophic lateral sclerosis 6. Last evaluated: 2021-10-03. Review status: criteria provided, single submitter. Criteria: Invitae Variant Classification Sherloc (09022015). Collection method: clinical testing. Allele origin: germline.
Comment: This variant has not been reported in the literature in individuals affected with VCP-related conditions. This variant is present in population databases (rs771751916, ExAC 0.004%). This sequence change replaces leucine with valine at codon 432 of the VCP protein (p.Leu432Val). The leucine residue is highly conserved and there is a small physicochemical difference between leucine and valine. Advanced modeling of protein sequence and biophysical properties (such as structural, functional, and spatial information, amino acid conservation, physicochemical variation, residue mobility, and thermodynamic stability) performed at Invitae indicates that this missense variant is not expected to disrupt VCP protein function. In summary, the available evidence is currently insufficient to determine the role of this variant in disease. Therefore, it has been classified as a Variant of Uncertain Significance.

NM_007126.5(VCP):c.1294C>G (p.Leu432Val)

Gene: VCP (valosin containing protein; minus strand). Cytogenetic location: 9p13.3.
Variant type: single nucleotide variant.
Coding change: c.1294C>G on transcript NM_007126.5 (MANE Select); coding-DNA position 1294, C replaced by G.
Protein change: p.Leu432Val; replaces leucine 432 with valine.
Molecular consequence: missense variant.
Genome position (GRCh38, 1-based): chr9:35,061,080, G>C on the plus strand (C>G on the coding strand, the complement: VCP is on the minus strand). VCF-style: chr9-35061080-G-C. GRCh37 (hg19) VCF-style: chr9-35061077-G-C.
Other names: c.1159C>G, p.Leu387Val (NM_001354927.2, NM_001354928.2); c.1294C>G (NM_007126.3); short protein forms L432V, L387V.
Identifiers: ClinVar variation 1426610 (VCV001426610.9), dbSNP rs771751916, ClinGen allele CA5039284.